The following is an entry in ClinVar:

NM_006642.5(SDCCAG8):c.1221+8A>C

Gene: SDCCAG8 (SHH signaling and ciliogenesis regulator SDCCAG8; plus strand). Cytogenetic location: 1q43.
Variant type: single nucleotide variant.
Coding change: c.1221+8A>C on transcript NM_006642.5 (MANE Select); 8 bases into the intron after coding-DNA position 1221, A replaced by C.
Molecular consequence: intron variant.
Genome position (GRCh38, 1-based): chr1:243,330,700, A>C. VCF-style: chr1-243330700-A-C. GRCh37 (hg19) VCF-style: chr1-243494002-A-C.
Other names: c.927+8A>C (NM_001350249.2); c.318+8A>C (NM_001350251.2, NM_001350246.2, NM_001350247.2); c.1317+8A>C (NM_001350248.2).
Identifiers: ClinVar variation 3032365 (VCV003032365.2), dbSNP rs1277225096, ClinGen allele CA529973469.

ClinVar aggregate classification (germline): Likely benign (0 of 4 stars; one submission).

Conditions:
SDCCAG8-related disorder. Also called: SDCCAG8-Related Disorders; SDCCAG8-related condition.

Allele frequency attached by ClinVar (database versions not stated): gnomAD 0.00001.
gnomAD v4.1: 3 of 1,613,872 alleles (0.00019%); highest among the groups gnomAD compares: Non-Finnish European, 0.00025%; no homozygotes.

Submission:

PreventionGenetics, part of Exact Sciences
Classification: Likely benign for SDCCAG8-related condition. Last evaluated: 2020-10-14. Review status: no assertion criteria provided. Collection method: clinical testing. Allele origin: germline.
Comment: This variant is classified as likely benign based on ACMG/AMP sequence variant interpretation guidelines (Richards et al. 2015 PMID: 25741868, with internal and published modifications).